The following is an entry in ClinVar:

ClinVar aggregate classification (germline): Uncertain significance. Review status: criteria provided, multiple submitters, no conflicts (2 of 4 stars). 2 submissions from 2 submitters: Uncertain significance (2). Last evaluated 2023-10-16.

gnomAD v4.1: 1 of 1,614,154 alleles (0.000062%); highest among the groups gnomAD compares: Non-Finnish European, 0.000085%; no homozygotes.

Submissions (2):

GeneDx
Classification: Uncertain significance. Last evaluated: 2023-10-16. Review status: criteria provided, single submitter. Criteria: GeneDx Variant Classification Process June 2021. Collection method: clinical testing. Allele origin: germline. Affected: yes.
Comment: Not observed at significant frequency in large population cohorts (gnomAD); In silico analysis supports that this missense variant has a deleterious effect on protein structure/function; Has not been previously published as pathogenic or benign to our knowledge

AiLife Diagnostics
Classification: Uncertain significance. Last evaluated: 2021-07-16. Review status: criteria provided, single submitter. Criteria: ACMG Guidelines, 2015. Collection method: clinical testing. Allele origin: germline. Affected: yes. Observed: 1 variant allele.

NM_001103.4(ACTN2):c.2054T>A (p.Ile685Asn)

Gene: ACTN2 (actinin alpha 2; plus strand). Cytogenetic location: 1q43.
Variant type: single nucleotide variant.
Coding change: c.2054T>A on transcript NM_001103.4 (MANE Select); coding-DNA position 2054, T replaced by A.
Protein change: p.Ile685Asn; replaces isoleucine 685 with asparagine.
Molecular consequence: missense variant.
Genome position (GRCh38, 1-based): chr1:236,755,098, T>A. VCF-style: chr1-236755098-T-A. GRCh37 (hg19) VCF-style: chr1-236918398-T-A.
Other names: c.2054T>A, p.Ile685Asn (NM_001278343.2); c.1430T>A, p.Ile477Asn (NM_001278344.2); c.2054T>A (NM_001103.2); short protein forms I477N, I685N.
Identifiers: ClinVar variation 1677369 (VCV001677369.2), dbSNP rs1057523250, ClinGen allele CA345387561.